The following is an entry in ClinVar:

ClinVar aggregate classification (germline): Uncertain significance (1 of 4 stars; one submission).

Conditions:
Multiple endocrine neoplasia, type 2 (MEN2). Identifiers: Orphanet 653, MedGen C4048306, MONDO:0019003. Disease mechanism: gain of function.

Submission:

Labcorp Genetics (formerly Invitae), Labcorp
Classification: Uncertain significance for Multiple endocrine neoplasia, type 2. Last evaluated: 2024-04-22. Review status: criteria provided, single submitter. Criteria: Invitae Variant Classification Sherloc (09022015). Collection method: clinical testing. Allele origin: germline.
Comment: This sequence change replaces proline, which is neutral and non-polar, with histidine, which is basic and polar, at codon 213 of the RET protein (p.Pro213His). This variant is not present in population databases (gnomAD no frequency). This variant has not been reported in the literature in individuals affected with RET-related conditions. ClinVar contains an entry for this variant (Variation ID: 644594). An algorithm developed to predict the effect of missense changes on protein structure and function (PolyPhen-2) suggests that this variant is likely to be disruptive. In summary, the available evidence is currently insufficient to determine the role of this variant in disease. Therefore, it has been classified as a Variant of Uncertain Significance.

NM_020975.6(RET):c.638C>A (p.Pro213His)

Gene: RET (ret proto-oncogene; plus strand). Cytogenetic location: 10q11.21.
Variant type: single nucleotide variant.
Coding change: c.638C>A on transcript NM_020975.6 (MANE Select); coding-DNA position 638, C replaced by A.
Protein change: p.Pro213His; replaces proline 213 with histidine.
Molecular consequence: missense variant.
Genome position (GRCh38, 1-based): chr10:43,104,964, C>A. VCF-style: chr10-43104964-C-A. GRCh37 (hg19) VCF-style: chr10-43600412-C-A.
Other names: c.638C>A, p.Pro213His (NM_000323.2, NM_001406743.1, NM_001406744.1 and 8 more transcripts); c.-125C>A (NM_001355216.2); c.509C>A, p.Pro170His (NM_001406761.1, NM_001406762.1, NM_001406764.1 and 2 more transcripts); c.350C>A, p.Pro117His (NM_001406766.1, NM_001406767.1, NM_001406770.1); short protein forms P213H, P170H, P117H.
Identifiers: ClinVar variation 644594 (VCV000644594.9), dbSNP rs1313234246, ClinGen allele CA376544303.
Genomic context (GRCh38, chr10:43,104,964, plus strand): 5'-CGGTCCCGGCTGGTGATCACGCGGGGCCCCTGTCTGCTTGGTGCGCAGGTGAGGGTCTGC[C>A]CTTCCGCTGCGCCCCGGACAGCCTGGAGGTGAGCACGCGCTGGGCCCTGGACCGCGAGCA-3'
Protein context (NP_066124.1, residues 203-223): AYRLLEGEGL[Pro213His]FRCAPDSLEV